The following is an entry in ClinVar:

NM_000143.4(FH):c.37_92del (p.Pro13fs)

Gene: FH (fumarate hydratase; minus strand). Cytogenetic location: 1q43.
Variant type: Deletion.
Coding change: c.37_92del on transcript NM_000143.4 (MANE Select); coding-DNA positions 37 to 92, 56 bases deleted.
Protein change: p.Pro13fs; shifts the reading frame from proline 13.
Molecular consequence: frameshift variant.
Genome position (GRCh38, 1-based): chr1:241,519,631-241,519,686, 56 bases deleted. GRCh37 (hg19): chr1:241,682,931-241,682,986.
Other names: short protein forms P13fs.
Identifiers: ClinVar variation 1432025 (VCV001432025.6), dbSNP rs2147926916, ClinGen allele CA2573132925.

ClinVar aggregate classification (germline): Pathogenic (1 of 4 stars; one submission).

Submission:

Labcorp Genetics (formerly Invitae), Labcorp
Classification: Pathogenic. Last evaluated: 2021-10-31. Review status: criteria provided, single submitter. Criteria: Invitae Variant Classification Sherloc (09022015). Collection method: clinical testing. Allele origin: germline.
Comment: This sequence change creates a premature translational stop signal (p.Pro13Glyfs*24) in the FH gene. FH has two initiator codons, p.Met1 and p.Met44, which result in two different functional isoforms that localize to the mitochondria and cytosol, respectively (PMID: 21929734, 27037871). Loss-of-function variants in FH are known to be pathogenic (PMID: 11865300, 21398687). Variants affecting the mitochondrial isoform confer risk for fumarate hydratase deficiency, while variants that affect the cytosolic isoform confer risk for hereditary leiomyomatosis and renal cell cancer. This variant disrupts the mitochondria-targeting sequence (MTS) of the FH protein, which is important for protein import into the mitochondria (PMID: 27037871). This suggests that disruption of this region is causative of fumarate hydratase deficiency. For these reasons, this variant has been classified as Pathogenic for autosomal recessive fumarate hydratase deficiency. However, this variant is not likely to confer risk for autosomal dominant hereditary leiomyomatosis and renal cell cancer. This variant has not been reported in the literature in individuals affected with FH-related conditions. This variant is not present in population databases (gnomAD no frequency).

Literature cited by the submitters: PubMed 21929734; PubMed 27037871; PubMed 11865300; PubMed 21398687.